The following is an entry in ClinVar:

NM_001318895.3(FHL2):c.595C>T (p.Arg199Cys)

Genes: C2orf49 (chromosome 2 open reading frame 49; plus strand), FHL2 (four and a half LIM domains 2; minus strand). Cytogenetic location: 2q12.2.
Variant type: single nucleotide variant.
Coding change: c.595C>T on transcript NM_001318895.3 (MANE Select); coding-DNA position 595, C replaced by T.
Protein change: p.Arg199Cys; replaces arginine 199 with cysteine.
Molecular consequence: missense variant.
Genome position (GRCh38, 1-based): chr2:105,363,378, G>A on the plus strand (C>T on the coding strand, the complement: FHL2 is on the minus strand). VCF-style: chr2-105363378-G-A. GRCh37 (hg19) VCF-style: chr2-105979835-G-A.
Other names: c.595C>T, p.Arg199Cys (NM_001039492.3, NM_001318894.1, NM_001318896.2 and 4 more transcripts); c.253C>T, p.Arg85Cys (NM_001318897.2, NM_001318898.2); c.271C>T, p.Arg91Cys (NM_001318899.2); short protein forms R199C, R85C, R91C.
Identifiers: ClinVar variation 962025 (VCV000962025.7), dbSNP rs373259092, ClinGen allele CA1814699.

ClinVar aggregate classification (germline): Uncertain significance (1 of 4 stars; one submission).

Conditions:
Primary dilated cardiomyopathy (DCM). Also called: Dilated Cardiomyopathy. Identifiers: Orphanet 217604, MedGen C0007193, MeSH D002311, MONDO:0005021, HP:0001644. Inheritance: Various modes of inheritance.

Allele frequency attached by ClinVar (database versions not stated): gnomAD exomes 0.00005; ESP Exome Variant Server 0.00015; gnomAD 0.00001; TOPMed 0.00002; ExAC 0.00003.
gnomAD v4.1: 28 of 1,613,940 alleles (0.0017%); highest among the groups gnomAD compares: East Asian, 0.011%; no homozygotes.

Submission:

Labcorp Genetics (formerly Invitae), Labcorp
Classification: Uncertain significance for Primary dilated cardiomyopathy. Last evaluated: 2025-09-13. Review status: criteria provided, single submitter. Criteria: Invitae Variant Classification Sherloc (09022015). Collection method: clinical testing. Allele origin: germline.
Comment: This sequence change replaces arginine, which is basic and polar, with cysteine, which is neutral and slightly polar, at codon 199 of the FHL2 protein (p.Arg199Cys). This variant is present in population databases (rs373259092, gnomAD 0.03%). This variant has not been reported in the literature in individuals affected with FHL2-related conditions. ClinVar contains an entry for this variant (Variation ID: 962025). Invitae Evidence Modeling of protein sequence and biophysical properties (such as structural, functional, and spatial information, amino acid conservation, physicochemical variation, residue mobility, and thermodynamic stability) indicates that this missense variant is not expected to disrupt FHL2 protein function with a negative predictive value of 80%. In summary, the available evidence is currently insufficient to determine the role of this variant in disease. Therefore, it has been classified as a Variant of Uncertain Significance.